The following is an entry in ClinVar:

ClinVar aggregate classification (germline): Likely pathogenic (1 of 4 stars; one submission).

Conditions:
Dilated cardiomyopathy 1G (CMD1G). Identifiers: Orphanet 154, MedGen C1858763, MONDO:0011400, OMIM 604145.
Autosomal recessive limb-girdle muscular dystrophy type 2J (LGMDR10). Also called: Limb-girdle muscular dystrophy, type 2J; MUSCULAR DYSTROPHY, LIMB-GIRDLE, AUTOSOMAL RECESSIVE 10. Identifiers: Orphanet 140922, MedGen C1837342, MONDO:0012127, OMIM 608807.

Submission:

Labcorp Genetics (formerly Invitae), Labcorp
Classification: Likely pathogenic for Dilated cardiomyopathy 1G; Autosomal recessive limb-girdle muscular dystrophy type 2J. Last evaluated: 2024-12-10. Review status: criteria provided, single submitter. Criteria: Invitae Variant Classification Sherloc (09022015). Collection method: clinical testing. Allele origin: germline.
Comment: This sequence change creates a premature translational stop signal (p.Tyr14299*) in the TTN gene. While this is not anticipated to result in nonsense mediated decay, it is expected to create a truncated TTN protein. This variant is not present in population databases (gnomAD no frequency). This variant has not been reported in the literature in individuals affected with TTN-related conditions. This variant is located in the I band of TTN (PMID: 25589632). Truncating variants in this region have been reported in individuals affected with autosomal recessive centronuclear myopathy (PMID: 23975875, internal data). Truncating variants in this region have also been identified in individuals affected with autosomal dominant dilated cardiomyopathy and/or cardio-related conditions (PMID: 27869827, 32964742, internal data). In summary, the currently available evidence indicates that the variant is pathogenic, but additional data are needed to prove that conclusively. Therefore, this variant has been classified as Likely Pathogenic.

Literature cited by the submitters: PubMed 25589632; PubMed 23975875; PubMed 27869827; PubMed 32964742.

NM_001267550.2(TTN):c.42897T>G (p.Tyr14299Ter)

Gene: TTN (titin; minus strand). Cytogenetic location: 2q31.2.
Variant type: single nucleotide variant.
Coding change: c.42897T>G on transcript NM_001267550.2 (MANE Select); coding-DNA position 42897, T replaced by G.
Protein change: p.Tyr14299Ter; replaces tyrosine 14299 with a stop codon.
Molecular consequence: nonsense.
Genome position (GRCh38, 1-based): chr2:178,633,462, A>C on the plus strand (T>G on the coding strand, the complement: TTN is on the minus strand). VCF-style: chr2-178633462-A-C. GRCh37 (hg19) VCF-style: chr2-179498189-A-C.
Other names: c.37974T>G, p.Tyr12658Ter (NM_001256850.1); c.15702T>G, p.Tyr5234Ter (NM_003319.4); c.35193T>G, p.Tyr11731Ter (NM_133378.4); c.16077T>G, p.Tyr5359Ter (NM_133432.3); c.16278T>G, p.Tyr5426Ter (NM_133437.4); short protein forms Y11731*, Y12658*, Y14299*, Y5234*, Y5359*, Y5426*.
Identifiers: ClinVar variation 3759512 (VCV003759512.2).